The following is an entry in ClinVar:

NM_001148.6(ANK2):c.3187A>T (p.Ile1063Phe)

Gene: ANK2 (ankyrin 2; plus strand). Cytogenetic location: 4q26.
Variant type: single nucleotide variant.
Coding change: c.3187A>T on transcript NM_001148.6 (MANE Select); coding-DNA position 3187, A replaced by T.
Protein change: p.Ile1063Phe; replaces isoleucine 1063 with phenylalanine.
Molecular consequence: missense variant. On other transcripts: intron variant (42).
Genome position (GRCh38, 1-based): chr4:113,332,033, A>T. VCF-style: chr4-113332033-A-T. GRCh37 (hg19) VCF-style: chr4-114253189-A-T.
Other names: c.3160A>T, p.Ile1054Phe (NM_001127493.3); c.3199A>T, p.Ile1067Phe (NM_001354225.2); c.3229A>T, p.Ile1077Phe (NM_001354231.2, NM_001354242.2); c.3223A>T, p.Ile1075Phe (NM_001354232.2); c.3184A>T, p.Ile1062Phe (NM_001354235.2, NM_001354246.2, NM_001354265.2); c.3265A>T, p.Ile1089Phe (NM_001354237.2); c.3157A>T, p.Ile1053Phe (NM_001354239.2, NM_001354252.2); c.3232A>T, p.Ile1078Phe (NM_001354240.2, NM_001354241.2, NM_001386144.1); and 28 more; short protein forms I1046F, I1053F, I1077F, I1089F, I1110F, I1041F, I1054F, I1058F.
Identifiers: ClinVar variation 4050838 (VCV004050838.1).

ClinVar aggregate classification (germline): Uncertain significance (1 of 4 stars; one submission).

Conditions:
Cardiovascular phenotype. Identifiers: MedGen CN230736.

Submission:

Ambry Genetics
Classification: Uncertain significance for Cardiovascular phenotype. Last evaluated: 2025-03-31. Review status: criteria provided, single submitter. Criteria: Ambry Variant Classification Scheme 2023. Collection method: clinical testing. Allele origin: germline.
Comment: The p.I1063F variant (also known as c.3187A>T), located in coding exon 28 of the ANK2 gene, results from an A to T substitution at nucleotide position 3187. The isoleucine at codon 1063 is replaced by phenylalanine, an amino acid with highly similar properties. This amino acid position is conserved. In addition, the in silico prediction for this alteration is inconclusive. Based on the available evidence, the clinical significance of this variant remains unclear.